The following is an entry in ClinVar:

NM_004398.4(DDX10):c.1761C>T (p.Asp587=)

Gene: DDX10 (DEAD-box helicase 10; plus strand). Cytogenetic location: 11q22.3.
Variant type: single nucleotide variant.
Coding change: c.1761C>T on transcript NM_004398.4 (MANE Select); coding-DNA position 1761, C replaced by T.
Protein change: p.Asp587=; no amino-acid change (aspartic acid 587 retained).
Molecular consequence: synonymous variant.
Genome position (GRCh38, 1-based): chr11:108,723,258, C>T. VCF-style: chr11-108723258-C-T. GRCh37 (hg19) VCF-style: chr11-108593985-C-T.
Identifiers: ClinVar variation 3057636 (VCV003057636.2), dbSNP rs377544868, ClinGen allele CA6268982.

ClinVar aggregate classification (germline): Likely benign (0 of 4 stars; one submission).

Conditions:
DDX10-related disorder. Also called: DDX10-related condition.

Allele frequency attached by ClinVar (database versions not stated): TOPMed 0.00002; ESP Exome Variant Server 0.00008; gnomAD 0.00009; 1000 Genomes Project 30x 0.00047; ExAC 0.00049; 1000 Genomes Project 0.00060.
gnomAD v4.1: 383 of 1,612,976 alleles (0.024%); highest among the groups gnomAD compares: South Asian, 0.38%; 2 homozygotes.

Submission:

PreventionGenetics, part of Exact Sciences
Classification: Likely benign for DDX10-related condition. Last evaluated: 2019-04-11. Review status: no assertion criteria provided. Collection method: clinical testing. Allele origin: germline.
Comment: This variant is classified as likely benign based on ACMG/AMP sequence variant interpretation guidelines (Richards et al. 2015 PMID: 25741868, with internal and published modifications).